The following is an entry in ClinVar:

NM_006379.5(SEMA3C):c.872C>T (p.Ser291Leu)

Gene: SEMA3C (semaphorin 3C; minus strand). Cytogenetic location: 7q21.11.
Variant type: single nucleotide variant.
Coding change: c.872C>T on transcript NM_006379.5 (MANE Select); coding-DNA position 872, C replaced by T.
Protein change: p.Ser291Leu; replaces serine 291 with leucine.
Molecular consequence: missense variant.
Genome position (GRCh38, 1-based): chr7:80,802,709, G>A on the plus strand (C>T on the coding strand, the complement: SEMA3C is on the minus strand). VCF-style: chr7-80802709-G-A. GRCh37 (hg19) VCF-style: chr7-80432025-G-A.
Other names: c.872C>T (NM_006379.3); c.926C>T, p.Ser309Leu (NM_001350120.2); c.698C>T, p.Ser233Leu (NM_001350121.2); short protein forms S233L, S291L, S309L.
Identifiers: ClinVar variation 3357838 (VCV003357838.3).

ClinVar aggregate classification (germline): Uncertain significance. Review status: criteria provided, multiple submitters, no conflicts (2 of 4 stars). 2 submissions from 2 submitters: Uncertain significance (2). Last evaluated 2026-06-13.

Conditions:
SEMA3C-related disorder. Also called: SEMA3C-related condition.

gnomAD v4.1: 76 of 1,613,152 alleles (0.0047%); highest among the groups gnomAD compares: East Asian, 0.011%; no homozygotes.

Submissions (2):

PreventionGenetics, part of Exact Sciences
Classification: Uncertain significance for SEMA3C-related condition. Last evaluated: 2026-06-13. Review status: criteria provided, single submitter. Criteria: ACMG Guidelines, 2015. Collection method: clinical testing. Allele origin: germline.
Comment: The SEMA3C c.926C>T variant is predicted to result in the amino acid substitution p.Ser309Leu. To our knowledge, this variant has not been reported in the literature. This variant is reported in 0.040% of alleles in individuals of East Asian descent in gnomAD. At this time, the clinical significance of this variant is uncertain due to the absence of conclusive functional and genetic evidence.

Ambry Genetics
Classification: Uncertain significance. Last evaluated: 2025-05-23. Review status: criteria provided, single submitter. Criteria: Ambry Variant Classification Scheme 2023. Collection method: clinical testing. Allele origin: germline.